The following is an entry in ClinVar:

ClinVar aggregate classification (germline): Pathogenic (1 of 4 stars; one submission).

Conditions:
Polycystic kidney disease, adult type (PKD1). Also called: POLYCYSTIC KIDNEY DISEASE 1 WITH OR WITHOUT POLYCYSTIC LIVER DISEASE; POLYCYSTIC KIDNEY DISEASE, ADULT, TYPE I; Polycystic Kidney Disease 1, Autosomal Dominant; Polycystic kidney disease 1; Polycystic kidney disease 1, severe; Polycystic Kidney, Autosomal Dominant. Identifiers: MedGen C3149841, MONDO:0008263, OMIM 173900.

Submission:

Juno Genomics, Hangzhou Juno Genomics, Inc
Classification: Pathogenic for Polycystic kidney disease, adult type. Review status: criteria provided, single submitter. Criteria: ACMG Guidelines, 2015. Collection method: clinical testing. Allele origin: germline. Affected: yes.
Comment: Absent from controls (or at extremely low frequency if recessive) in Genome Aggregation Database.;Null variant in a gene where loss of function (LOF) is a known mechanism of disease.;Patient's phenotype or family history is highly specific for a disease with a single genetic etiology.

NM_001009944.3(PKD1):c.857_863del (p.Ser286fs)

Gene: PKD1 (polycystin 1, transient receptor potential channel interacting; minus strand). Cytogenetic location: 16p13.3.
Variant type: Deletion.
Coding change: c.857_863del on transcript NM_001009944.3 (MANE Select); coding-DNA positions 857 to 863, 7 bases deleted (CTGGCCA; older notation c.857_863delCTGGCCA).
Protein change: p.Ser286fs; shifts the reading frame from serine 286.
Molecular consequence: frameshift variant.
Genome position (GRCh38, 1-based): chr16:2,118,129-2,118,135, TGGCCAG deleted on the plus strand (CTGGCCA on the coding strand, the reverse complement: PKD1 is on the minus strand). VCF-style (leftmost placement, unchanged base first): chr16-2118128-CTGGCCAG-C. GRCh37 (hg19) VCF-style: chr16-2168129-CTGGCCAG-C.
Other names: c.857_863del, p.Ser286fs (NM_000296.4); short protein forms S286fs.
Identifiers: ClinVar variation 5019824 (VCV005019824.1).